The following is an entry in ClinVar:

ClinVar aggregate classification (germline): Benign. Review status: criteria provided, multiple submitters, no conflicts (2 of 4 stars). 4 submissions from 4 submitters: Benign (4). Last evaluated 2026-02-03.

Conditions:
Familial sleep-related hypermotor epilepsy. Also called: Autosomal Dominant Sleep-Related Hypermotor (Hyperkinetic) Epilepsy. Identifiers: Orphanet 98784, MedGen C3696898, MONDO:0000030.

Allele frequency attached by ClinVar (database versions not stated): TOPMed 0.02051; ESP Exome Variant Server 0.02100; gnomAD 0.01945 and 0.01788; 1000 Genomes Project 30x 0.02280; gnomAD exomes 0.00178 and 0.00479; 1000 Genomes Project 0.02077; ExAC 0.00614.
gnomAD v4.1: 5,443 of 1,612,144 alleles (0.34%); highest among the groups gnomAD compares: African/African-American, 6.4%; 172 homozygotes.

Submissions (4):

Labcorp Genetics (formerly Invitae), Labcorp
Classification: Benign. Last evaluated: 2026-02-03. Review status: criteria provided, single submitter. Criteria: Invitae Variant Classification Sherloc (09022015). Collection method: clinical testing. Allele origin: germline.

GeneDx
Classification: Benign. Last evaluated: 2012-05-09. Review status: criteria provided, single submitter. Criteria: GeneDx Variant Classification (06012015). Collection method: clinical testing. Allele origin: germline. Affected: yes.
Comment: This variant is considered likely benign or benign based on one or more of the following criteria: it is a conservative change, it occurs at a poorly conserved position in the protein, it is predicted to be benign by multiple in silico algorithms, and/or has population frequency not consistent with disease.

Breakthrough Genomics
Classification: Benign. Review status: criteria provided, single submitter. Criteria: ACMG Guidelines, 2015. Collection method: not provided. Allele origin: germline. Inheritance: Autosomal dominant inheritance. Affected: yes.

PreventionGenetics, part of Exact Sciences
Classification: Benign. Review status: criteria provided, single submitter. Criteria: ACMG Guidelines, 2015. Collection method: clinical testing. Allele origin: germline.

NM_000744.7(CHRNA4):c.1759-14G>A

Gene: CHRNA4 (cholinergic receptor nicotinic alpha 4 subunit; minus strand). Cytogenetic location: 20q13.33.
Variant type: single nucleotide variant.
Coding change: c.1759-14G>A on transcript NM_000744.7 (MANE Select); 14 bases into the intron before coding-DNA position 1759, G replaced by A.
Molecular consequence: intron variant.
Genome position (GRCh38, 1-based): chr20:63,346,877, C>T on the plus strand (G>A on the coding strand, the complement: CHRNA4 is on the minus strand). VCF-style: chr20-63346877-C-T. GRCh37 (hg19) VCF-style: chr20-61978229-C-T.
Other names: c.1231-14G>A (NM_001256573.2).
Identifiers: ClinVar variation 136764 (VCV000136764.10), dbSNP rs45440192, ClinGen allele CA290091.